The following is an entry in ClinVar:

NM_000835.6(GRIN2C):c.1464C>T (p.Arg488=)

Gene: GRIN2C (glutamate ionotropic receptor NMDA type subunit 2C; minus strand). Cytogenetic location: 17q25.1.
Variant type: single nucleotide variant.
Coding change: c.1464C>T on transcript NM_000835.6 (MANE Select); coding-DNA position 1464, C replaced by T.
Protein change: p.Arg488=; no amino-acid change (arginine 488 retained).
Molecular consequence: synonymous variant. On other transcripts: non-coding transcript variant (1).
Genome position (GRCh38, 1-based): chr17:74,850,233, G>A on the plus strand (C>T on the coding strand, the complement: GRIN2C is on the minus strand). VCF-style: chr17-74850233-G-A. GRCh37 (hg19) VCF-style: chr17-72846372-G-A.
Other names: c.1464C>T, p.Arg488= (NM_001278553.2).
Identifiers: ClinVar variation 3388844 (VCV003388844.14).

ClinVar aggregate classification (germline): Likely benign (1 of 4 stars; one submission).

gnomAD v4.1: 218 of 1,613,620 alleles (0.014%); highest among the groups gnomAD compares: Non-Finnish European, 0.015%; 1 homozygote.

Submission:

CeGaT Center for Human Genetics Tuebingen
Classification: Likely benign. Last evaluated: 2024-11-01. Review status: criteria provided, single submitter. Criteria: CeGaT Center For Human Genetics Tuebingen Variant Classification Criteria Version 2. Collection method: clinical testing. Allele origin: germline. Affected: yes. Observed: 1 variant allele.
Comment: GRIN2C: BP4, BP7